The following is an entry in ClinVar:

ClinVar aggregate classification (germline): Pathogenic (1 of 4 stars; one submission).

Conditions:
Aortic aneurysm, familial thoracic 7 (AAT7). Also called: AORTIC DISSECTION, FAMILIAL, WITH OR WITHOUT AORTIC ANEURYSM. Identifiers: MedGen C3151077, MONDO:0013418, OMIM 613780.

Submission:

Labcorp Genetics (formerly Invitae), Labcorp
Classification: Pathogenic for Aortic aneurysm, familial thoracic 7. Last evaluated: 2025-12-19. Review status: criteria provided, single submitter. Criteria: Invitae Variant Classification Sherloc (09022015). Collection method: clinical testing. Allele origin: germline.
Comment: This sequence change creates a premature translational stop signal (p.Val1213Cysfs*2) in the MYLK gene. It is expected to result in an absent or disrupted protein product. Loss-of-function variants in MYLK are known to be pathogenic (PMID: 21055718, 28602422). This variant is not present in population databases (gnomAD no frequency). This variant has not been reported in the literature in individuals affected with MYLK-related conditions. ClinVar contains an entry for this variant (Variation ID: 3700084). For these reasons, this variant has been classified as Pathogenic.

Literature cited by the submitters: PubMed 21055718; PubMed 28602422.

NM_053025.4(MYLK):c.3636del (p.Val1213fs)

Gene: MYLK (myosin light chain kinase; minus strand). Cytogenetic location: 3q21.1.
Variant type: Deletion.
Coding change: c.3636del on transcript NM_053025.4 (MANE Select); coding-DNA position 3636, one base deleted (C; older notation c.3636delC).
Protein change: p.Val1213fs; shifts the reading frame from valine 1213.
Molecular consequence: frameshift variant.
Genome position (GRCh38, 1-based): chr3:123,682,240, G deleted on the plus strand (C on the coding strand, the reverse complement: MYLK is on the minus strand); the first of 3 consecutive G bases (chr3:123,682,240-123,682,242); deleting any one gives the same sequence. VCF-style (leftmost placement, unchanged base first): chr3-123682239-CG-C. GRCh37 (hg19) VCF-style: chr3-123401086-CG-C.
Other names: c.3108del, p.Val1037fs (NM_001321309.2); c.3429del, p.Val1144fs (NM_053026.4, NM_053028.4); c.3636del, p.Val1213fs (NM_053027.4); short protein forms V1213fs, V1144fs, V1037fs.
Identifiers: ClinVar variation 3700084 (VCV003700084.2).